The following is an entry in ClinVar:

ClinVar aggregate classification (germline): Likely benign. Review status: criteria provided, multiple submitters, no conflicts (2 of 4 stars). 2 submissions from 2 submitters: Likely benign (2). Last evaluated 2026-06-01.

Allele frequency attached by ClinVar (database versions not stated): ExAC 0.00003; gnomAD exomes 0.00004; TOPMed 0.00004; gnomAD 0.00005.
gnomAD v4.1: 80 of 1,613,928 alleles (0.005%); highest among the groups gnomAD compares: Middle Eastern, 0.049%; 1 homozygote.

Submissions (2):

CeGaT Center for Human Genetics Tuebingen
Classification: Likely benign. Last evaluated: 2026-06-01. Review status: criteria provided, single submitter. Criteria: CeGaT Center For Human Genetics Tuebingen Variant Classification Criteria Version 2. Collection method: clinical testing. Allele origin: germline. Affected: yes. Observed: 1 variant allele.
Comment: GRID2: BP4, BP7

Labcorp Genetics (formerly Invitae), Labcorp
Classification: Likely benign. Last evaluated: 2018-07-29. Review status: criteria provided, single submitter. Criteria: Invitae Variant Classification Sherloc (09022015). Collection method: clinical testing. Allele origin: germline.

NM_001510.4(GRID2):c.2445G>A (p.Ser815=)

Gene: GRID2 (glutamate ionotropic receptor delta type subunit 2; plus strand). Cytogenetic location: 4q22.2.
Variant type: single nucleotide variant.
Coding change: c.2445G>A on transcript NM_001510.4 (MANE Select); coding-DNA position 2445, G replaced by A.
Protein change: p.Ser815=; no amino-acid change (serine 815 retained).
Molecular consequence: synonymous variant.
Genome position (GRCh38, 1-based): chr4:93,769,294, G>A. VCF-style: chr4-93769294-G-A. GRCh37 (hg19) VCF-style: chr4-94690445-G-A.
Other names: c.2160G>A, p.Ser720= (NM_001286838.1).
Identifiers: ClinVar variation 755539 (VCV000755539.5), dbSNP rs749214409, ClinGen allele CA3012552.